The following is an entry in ClinVar:

ClinVar aggregate classification (germline): Uncertain significance (1 of 4 stars; one submission).

gnomAD v4.1: 1 of 1,614,072 alleles (0.000062%); highest among the groups gnomAD compares: Non-Finnish European, 0.000085%; no homozygotes.

Submission:

Greenwood Genetic Center Diagnostic Laboratories, Greenwood Genetic Center
Classification: Uncertain significance. Last evaluated: 2022-03-04. Review status: criteria provided, single submitter. Criteria: ACMG Guidelines, 2015. Collection method: clinical testing. Allele origin: germline. Affected: yes.
Comment: Gene of Uncertain Clinical Significance

NM_014612.5(FAM120A):c.1988C>A (p.Ala663Asp)

Gene: FAM120A (family with sequence similarity 120 member A; plus strand). Cytogenetic location: 9q22.31.
Variant type: single nucleotide variant.
Coding change: c.1988C>A on transcript NM_014612.5 (MANE Select); coding-DNA position 1988, C replaced by A.
Protein change: p.Ala663Asp; replaces alanine 663 with aspartic acid.
Molecular consequence: missense variant.
Genome position (GRCh38, 1-based): chr9:93,543,300, C>A. VCF-style: chr9-93543300-C-A. GRCh37 (hg19) VCF-style: chr9-96305582-C-A.
Other names: c.1985C>A, p.Ala662Asp (NM_001286722.2); short protein forms A662D, A663D.
Identifiers: ClinVar variation 1676467 (VCV001676467.3), dbSNP rs1861769399, ClinGen allele CA374067418.